The following is an entry in ClinVar:

ClinVar aggregate classification (germline): Pathogenic (1 of 4 stars; one submission).

Conditions:
Tuberous sclerosis 2 (TSC2). Identifiers: Orphanet 805, MedGen C1860707, MONDO:0013199, OMIM 613254.

Submission:

Labcorp Genetics (formerly Invitae), Labcorp
Classification: Pathogenic for Tuberous sclerosis 2. Last evaluated: 2025-06-30. Review status: criteria provided, single submitter. Criteria: Invitae Variant Classification Sherloc (09022015). Collection method: clinical testing. Allele origin: germline.
Comment: This sequence change creates a premature translational stop signal (p.Leu1235Profs*91) in the TSC2 gene. It is expected to result in an absent or disrupted protein product. Loss-of-function variants in TSC2 are known to be pathogenic (PMID: 10205261, 17304050). This variant is not present in population databases (gnomAD no frequency). This variant has not been reported in the literature in individuals affected with TSC2-related conditions. For these reasons, this variant has been classified as Pathogenic.

Literature cited by the submitters: PubMed 10205261; PubMed 17304050.

NM_000548.5(TSC2):c.3702_3703dup (p.Leu1235fs)

Gene: TSC2 (TSC complex subunit 2; plus strand). Cytogenetic location: 16p13.3.
Variant type: Duplication.
Coding change: c.3702_3703dup on transcript NM_000548.5 (MANE Select); coding-DNA positions 3702 to 3703, 2 bases duplicated (CC; older notation c.3702_3703dupCC).
Protein change: p.Leu1235fs; shifts the reading frame from leucine 1235.
Molecular consequence: frameshift variant. On other transcripts: non-coding transcript variant (5).
Genome position (GRCh38, 1-based): chr16:2,081,686-2,081,687, CC duplicated; duplicating any 2 consecutive bases within chr16:2,081,685-2,081,687 gives the same sequence; the c. name uses the placement nearest the transcript's 3' end. VCF-style (leftmost placement, unchanged base first): chr16-2081684-G-GCC. GRCh37 (hg19) VCF-style: chr16-2131685-G-GCC.
Other names: c.3570_3571dup, p.Leu1191fs (NM_001077183.3, NM_001370404.1, NM_001406665.1); c.3702_3703dup, p.Leu1235fs (NM_001114382.3); c.3462_3463dup, p.Leu1155fs (NM_001318827.2); c.3426_3427dup, p.Leu1143fs (NM_001318829.2); c.2970_2971dup, p.Leu991fs (NM_001318831.2, NM_001406687.1, NM_001406688.1); c.3603_3604dup, p.Leu1202fs (NM_001318832.2); c.3573_3574dup, p.Leu1192fs (NM_001363528.2, NM_001370405.1, NM_021055.3); c.3699_3700dup, p.Leu1234fs (NM_001406663.1, NM_001406664.1); and 18 more; short protein forms L1034fs, L1154fs, L1185fs, L1187fs, L1188fs, L1221fs, L1235fs, L1035fs.
Identifiers: ClinVar variation 4722370 (VCV004722370.1).